The following is an entry in ClinVar:

ClinVar aggregate classification (germline): Uncertain significance (0 of 4 stars; one submission).

Conditions:
CRELD1-related disorder. Also called: CRELD1-related condition.

Submission:

PreventionGenetics, part of Exact Sciences
Classification: Uncertain significance for CRELD1-related condition. Last evaluated: 2024-05-16. Review status: no assertion criteria provided. Collection method: clinical testing. Allele origin: germline.
Comment: The CRELD1 c.343C>A variant is predicted to result in the amino acid substitution p.Leu115Met. To our knowledge, this variant has not been reported in the literature or in a large population database, indicating this variant is rare. At this time, the clinical significance of this variant is uncertain due to the absence of conclusive functional and genetic evidence.

NM_001077415.3(CRELD1):c.343C>A (p.Leu115Met)

Gene: CRELD1 (cysteine rich with EGF like domains 1; plus strand). Cytogenetic location: 3p25.3.
Variant type: single nucleotide variant.
Coding change: c.343C>A on transcript NM_001077415.3 (MANE Select); coding-DNA position 343, C replaced by A.
Protein change: p.Leu115Met; replaces leucine 115 with methionine.
Molecular consequence: missense variant. On other transcripts: non-coding transcript variant (3).
Genome position (GRCh38, 1-based): chr3:9,937,647, C>A. VCF-style: chr3-9937647-C-A. GRCh37 (hg19) VCF-style: chr3-9979331-C-A.
Other names: c.343C>A, p.Leu115Met (NM_001031717.4, NM_001374316.1, NM_001374317.1 and 5 more transcripts); short protein forms L115M.
Identifiers: ClinVar variation 3345100 (VCV003345100.1).
Genomic context (GRCh38, chr3:9,937,647, plus strand): 5'-GAGGGTGTGTGCAGCAAGTCAGACTTCGAGTGCCACCGCCTGCTGGAGCTGAGTGAGGAG[C>A]TGGTGGAGAGCTGGTGGTTTCACAAGTGAGTGGCAAAGGGCCTTCCCTGGAAGTGGGTCA-3'
Protein context (NP_001070883.2, residues 105-125): CHRLLELSEE[Leu115Met]VESWWFHKQQ